The following is an entry in ClinVar:

ClinVar aggregate classification (germline): Uncertain significance (1 of 4 stars; one submission).

Conditions:
Telangiectasia, hereditary hemorrhagic, type 2 (HHT2). Also called: ACVRL1-Related Hereditary Hemorrhagic Telangiectasia; Telangiectasia, hereditary hemorrhagic, type II. Identifiers: Orphanet 774, MedGen C1838163, MONDO:0010880, OMIM 600376. Disease mechanism: loss of function.

Submission:

Labcorp Genetics (formerly Invitae), Labcorp
Classification: Uncertain significance for Telangiectasia, hereditary hemorrhagic, type 2. Last evaluated: 2020-10-21. Review status: criteria provided, single submitter. Criteria: Invitae Variant Classification Sherloc (09022015). Collection method: clinical testing. Allele origin: germline.
Comment: This variant disrupts the p.Val338 amino acid residue in ACVRL1. Other variant(s) that disrupt this residue have been observed in individuals with ACVRL1-related conditions (PMID: 24001356), which suggests that this may be a clinically significant amino acid residue. Advanced modeling of protein sequence and biophysical properties (such as structural, functional, and spatial information, amino acid conservation, physicochemical variation, residue mobility, and thermodynamic stability) performed at Invitae indicates that this missense variant is expected to disrupt ACVRL1 protein function. This variant has been observed in individual(s) with clinical features of hereditary hemorrhagic telangiectasia (Invitae). This variant is not present in population databases (ExAC no frequency). This sequence change replaces valine with glycine at codon 338 of the ACVRL1 protein (p.Val338Gly). The valine residue is highly conserved and there is a moderate physicochemical difference between valine and glycine. In summary, the available evidence is currently insufficient to determine the role of this variant in disease. Therefore, it has been classified as a Variant of Uncertain Significance.

Literature cited by the submitters: PubMed 24001356.

NM_000020.3(ACVRL1):c.1013T>G (p.Val338Gly)

Gene: ACVRL1 (activin A receptor like type 1; plus strand). Cytogenetic location: 12q13.13.
Variant type: single nucleotide variant.
Coding change: c.1013T>G on transcript NM_000020.3 (MANE Select); coding-DNA position 1013, T replaced by G.
Protein change: p.Val338Gly; replaces valine 338 with glycine.
Molecular consequence: missense variant.
Genome position (GRCh38, 1-based): chr12:51,915,465, T>G. VCF-style: chr12-51915465-T-G. GRCh37 (hg19) VCF-style: chr12-52309249-T-G.
Other names: c.1013T>G, p.Val338Gly (NM_001077401.2); short protein forms V338G.
Identifiers: ClinVar variation 1038911 (VCV001038911.8), dbSNP rs1940812234, ClinGen allele CA384901651.